The following is an entry in ClinVar:

ClinVar aggregate classification (germline): Likely benign. Review status: criteria provided, multiple submitters, no conflicts (2 of 4 stars). 2 submissions from 2 submitters: Likely benign (2). Last evaluated 2023-07-29.

Allele frequency attached by ClinVar (database versions not stated): TOPMed below 0.00001; ExAC 0.00002; gnomAD exomes 0.00002.

Submissions (2):

Labcorp Genetics (formerly Invitae), Labcorp
Classification: Likely benign. Last evaluated: 2023-07-29. Review status: criteria provided, single submitter. Criteria: Invitae Variant Classification Sherloc (09022015). Collection method: clinical testing. Allele origin: germline.

CeGaT Center for Human Genetics Tuebingen
Classification: Likely benign. Last evaluated: 2022-03-01. Review status: criteria provided, single submitter. Criteria: CeGaT Center For Human Genetics Tuebingen Variant Classification Criteria Version 2. Collection method: clinical testing. Allele origin: germline. Affected: yes. Observed: 1 variant allele.
Comment: SSR4: BP4, BP7

NM_006280.3(SSR4):c.207C>T (p.Asp69=)

Gene: SSR4 (signal sequence receptor subunit 4; plus strand). Cytogenetic location: Xq28.
Variant type: single nucleotide variant.
Coding change: c.207C>T on transcript NM_006280.3 (MANE Select); coding-DNA position 207, C replaced by T.
Protein change: p.Asp69=; no amino-acid change (aspartic acid 69 retained).
Molecular consequence: synonymous variant.
Genome position (GRCh38, 1-based): chrX:153,797,478, C>T. VCF-style: chrX-153797478-C-T. GRCh37 (hg19) VCF-style: chrX-153062933-C-T.
Other names: c.240C>T, p.Asp80= (NM_001204526.2); c.231C>T, p.Asp77= (NM_001204527.2).
Identifiers: ClinVar variation 2661734 (VCV002661734.27), dbSNP rs782754023, ClinGen allele CA10553280.